The following is an entry in ClinVar:

ClinVar aggregate classification (germline): Uncertain significance (1 of 4 stars; one submission).

Submission:

Labcorp Genetics (formerly Invitae), Labcorp
Classification: Uncertain significance. Last evaluated: 2022-10-05. Review status: criteria provided, single submitter. Criteria: Invitae Variant Classification Sherloc (09022015). Collection method: clinical testing. Allele origin: germline.
Comment: This sequence change replaces leucine, which is neutral and non-polar, with proline, which is neutral and non-polar, at codon 694 of the CACNA1B protein (p.Leu694Pro). This variant is not present in population databases (gnomAD no frequency). This variant has not been reported in the literature in individuals affected with CACNA1B-related conditions. Advanced modeling of protein sequence and biophysical properties (such as structural, functional, and spatial information, amino acid conservation, physicochemical variation, residue mobility, and thermodynamic stability) performed at Invitae indicates that this missense variant is expected to disrupt CACNA1B protein function. In summary, the available evidence is currently insufficient to determine the role of this variant in disease. Therefore, it has been classified as a Variant of Uncertain Significance.

NM_000718.4(CACNA1B):c.2081T>C (p.Leu694Pro)

Gene: CACNA1B (calcium voltage-gated channel subunit alpha1 B; plus strand). Cytogenetic location: 9q34.3.
Variant type: single nucleotide variant.
Coding change: c.2081T>C on transcript NM_000718.4 (MANE Select); coding-DNA position 2081, T replaced by C.
Protein change: p.Leu694Pro; replaces leucine 694 with proline.
Molecular consequence: missense variant.
Genome position (GRCh38, 1-based): chr9:138,006,873, T>C. VCF-style: chr9-138006873-T-C. GRCh37 (hg19) VCF-style: chr9-140901325-T-C.
Other names: c.2081T>C, p.Leu694Pro (NM_001243812.2); short protein forms L694P.
Identifiers: ClinVar variation 2105371 (VCV002105371.4), dbSNP rs912693739, ClinGen allele CA201855742.
Genomic context (GRCh38, chr9:138,006,873, plus strand): 5'-AATCGCAAGGCGGCGTCAGCAAAGGCATGTTCTCGTCCTTTTACTTCATTGTCCTGACAC[T>C]GTTCGGAAACTGTATCCTTCTGTGGGGCTGGGGCAGAGGGTGGTCAGTGCTTGGCCCTCC-3'
Protein context (NP_000709.1, residues 684-704): FSSFYFIVLT[Leu694Pro]FGNYTLLNVF